The following is an entry in ClinVar:

NM_021072.4(HCN1):c.2048C>T (p.Pro683Leu)

Gene: HCN1 (hyperpolarization activated cyclic nucleotide gated potassium channel 1; minus strand). Cytogenetic location: 5p12.
Variant type: single nucleotide variant.
Coding change: c.2048C>T on transcript NM_021072.4 (MANE Select); coding-DNA position 2048, C replaced by T.
Protein change: p.Pro683Leu; replaces proline 683 with leucine.
Molecular consequence: missense variant.
Genome position (GRCh38, 1-based): chr5:45,262,546, G>A on the plus strand (C>T on the coding strand, the complement: HCN1 is on the minus strand). VCF-style: chr5-45262546-G-A. GRCh37 (hg19) VCF-style: chr5-45262648-G-A.
Other names: short protein forms P683L.
Identifiers: ClinVar variation 1053235 (VCV001053235.10), dbSNP rs2111839618, ClinGen allele CA359704158.

ClinVar aggregate classification (germline): Uncertain significance (1 of 4 stars; one submission).

Conditions:
Early-infantile DEE. Also called: Ohtahara syndrome; Early infantile epileptic encephalopathy with suppression bursts; Early infantile epileptic encephalopathy. Identifiers: Orphanet 1934, MedGen C0393706, MONDO:0800491.

Submission:

Labcorp Genetics (formerly Invitae), Labcorp
Classification: Uncertain significance for Early-infantile DEE. Last evaluated: 2020-01-27. Review status: criteria provided, single submitter. Criteria: Invitae Variant Classification Sherloc (09022015). Collection method: clinical testing. Allele origin: germline.
Comment: In summary, the available evidence is currently insufficient to determine the role of this variant in disease. Therefore, it has been classified as a Variant of Uncertain Significance. Algorithms developed to predict the effect of missense changes on protein structure and function are either unavailable or do not agree on the potential impact of this missense change (SIFT: "Deleterious"; PolyPhen-2: "Benign"; Align-GVGD: "Class C65"). This variant has not been reported in the literature in individuals with HCN1-related conditions. This variant is not present in population databases (ExAC no frequency). This sequence change replaces proline with leucine at codon 683 of the HCN1 protein (p.Pro683Leu). The proline residue is highly conserved and there is a moderate physicochemical difference between proline and leucine.